The following is an entry in ClinVar:

ClinVar aggregate classification (germline): Uncertain significance (1 of 4 stars; one submission).

Allele frequency attached by ClinVar (database versions not stated): gnomAD exomes below 0.00001 and 0.00001; ExAC 0.00001.
gnomAD v4.1: 5 of 1,613,778 alleles (0.00031%); highest among the groups gnomAD compares: Non-Finnish European, 0.00042%; no homozygotes.

Submission:

Labcorp Genetics (formerly Invitae), Labcorp
Classification: Uncertain significance. Last evaluated: 2021-07-12. Review status: criteria provided, single submitter. Criteria: Invitae Variant Classification Sherloc (09022015). Collection method: clinical testing. Allele origin: germline.
Comment: In summary, the available evidence is currently insufficient to determine the role of this variant in disease. Therefore, it has been classified as a Variant of Uncertain Significance. Algorithms developed to predict the effect of missense changes on protein structure and function are either unavailable or do not agree on the potential impact of this missense change (SIFT: "Deleterious"; PolyPhen-2: "Possibly Damaging"; Align-GVGD: "Class C0"). This variant has not been reported in the literature in individuals affected with A2ML1-related conditions. This variant is present in population databases (rs759664362, ExAC 0.002%). This sequence change replaces tyrosine with cysteine at codon 625 of the A2ML1 protein (p.Tyr625Cys). The tyrosine residue is moderately conserved and there is a large physicochemical difference between tyrosine and cysteine.

NM_144670.6(A2ML1):c.1874A>G (p.Tyr625Cys)

Gene: A2ML1 (alpha-2-macroglobulin like 1; plus strand). Cytogenetic location: 12p13.31.
Variant type: single nucleotide variant.
Coding change: c.1874A>G on transcript NM_144670.6 (MANE Select); coding-DNA position 1874, A replaced by G.
Protein change: p.Tyr625Cys; replaces tyrosine 625 with cysteine.
Molecular consequence: missense variant.
Genome position (GRCh38, 1-based): chr12:8,848,760, A>G. VCF-style: chr12-8848760-A-G. GRCh37 (hg19) VCF-style: chr12-9001356-A-G.
Other names: c.401A>G, p.Tyr134Cys (NM_001282424.3); short protein forms Y134C, Y625C.
Identifiers: ClinVar variation 1449694 (VCV001449694.8), dbSNP rs759664362, ClinGen allele CA6435841.
Genomic context (GRCh38, chr12:8,848,760, plus strand): 5'-CTCTCCCCCTCTTGTCCCAGGTCTATGGGATGTTTCCATTCTGGTATGGTCACTACCCCT[A>G]TCAAGTGGCTGAGTATGATCAGTGTCCAGTGTCTGGCCCATGGGACTTTCCTCAGCCCCT-3'
Protein context (NP_653271.3, residues 615-635): MFPFWYGHYP[Tyr625Cys]QVAEYDQCPV